The following is an entry in ClinVar:

NM_198282.4(STING1):c.784G>A (p.Ala262Thr)

Gene: STING1 (stimulator of interferon response cGAMP interactor 1; minus strand). Cytogenetic location: 5q31.2.
Variant type: single nucleotide variant.
Coding change: c.784G>A on transcript NM_198282.4 (MANE Select); coding-DNA position 784, G replaced by A.
Protein change: p.Ala262Thr; replaces alanine 262 with threonine.
Molecular consequence: missense variant. On other transcripts: intron variant (1).
Genome position (GRCh38, 1-based): chr5:139,477,491, C>T on the plus strand (G>A on the coding strand, the complement: STING1 is on the minus strand). VCF-style: chr5-139477491-C-T. GRCh37 (hg19) VCF-style: chr5-138857076-C-T.
Other names: c.427G>A, p.Ala143Thr (NM_001367258.1); c.759+779G>A (NM_001301738.2); c.784G>A (NM_198282.2); short protein forms A143T, A262T.
Identifiers: ClinVar variation 937596 (VCV000937596.12), dbSNP rs140038439, ClinGen allele CA3435304.

ClinVar aggregate classification (germline): Uncertain significance. Review status: criteria provided, multiple submitters, no conflicts (2 of 4 stars). 3 submissions from 3 submitters: Uncertain significance (3). Last evaluated 2026-01-22.

Conditions:
Autoinflammatory syndrome. Identifiers: Orphanet 93665, MedGen C3890737, MONDO:0019751.
Inborn genetic diseases. Identifiers: MedGen C0950123, MeSH D030342.
STING-associated vasculopathy with onset in infancy. Also called: Sting-associated vasculopathy, infantile-onset. Identifiers: Orphanet 425120, MedGen C4014722, MONDO:0014405, OMIM 615934.

Allele frequency attached by ClinVar (database versions not stated): 1000 Genomes Project 0.00020; gnomAD 0.00032 and 0.00029; gnomAD exomes 0.00004 and 0.00003; TOPMed 0.00028; ESP Exome Variant Server 0.00038; 1000 Genomes Project 30x 0.00016; ExAC 0.00004.
gnomAD v4.1: 82 of 1,614,036 alleles (0.0051%); highest among the groups gnomAD compares: African/African-American, 0.092%; no homozygotes.

Submissions (3):

Labcorp Genetics (formerly Invitae), Labcorp
Classification: Uncertain significance for STING-associated vasculopathy with onset in infancy. Last evaluated: 2026-01-22. Review status: criteria provided, single submitter. Criteria: Invitae Variant Classification Sherloc (09022015). Collection method: clinical testing. Allele origin: germline.
Comment: This sequence change replaces alanine, which is neutral and non-polar, with threonine, which is neutral and polar, at codon 262 of the TMEM173 protein (p.Ala262Thr). This variant is present in population databases (rs140038439, gnomAD 0.06%), and has an allele count higher than expected for a pathogenic variant. This variant has not been reported in the literature in individuals affected with TMEM173-related conditions. ClinVar contains an entry for this variant (Variation ID: 937596). Invitae Evidence Modeling of protein sequence and biophysical properties (such as structural, functional, and spatial information, amino acid conservation, physicochemical variation, residue mobility, and thermodynamic stability) indicates that this missense variant is expected to disrupt TMEM173 protein function with a positive predictive value of 80%. In summary, the available evidence is currently insufficient to determine the role of this variant in disease. Therefore, it has been classified as a Variant of Uncertain Significance.

Ambry Genetics
Classification: Uncertain significance for Inborn genetic diseases. Last evaluated: 2024-09-10. Review status: criteria provided, single submitter. Criteria: Ambry Variant Classification Scheme 2023. Collection method: clinical testing. Allele origin: germline.

Genome Diagnostics Laboratory, The Hospital for Sick Children
Classification: Uncertain significance for Autoinflammatory syndrome. Last evaluated: 2018-07-01. Review status: criteria provided, single submitter. Criteria: ACMG Guidelines, 2015. Collection method: clinical testing. Allele origin: germline. Affected: yes.